The following is an entry in ClinVar:

ClinVar aggregate classification (germline): Uncertain significance (1 of 4 stars; one submission).

Submission:

Labcorp Genetics (formerly Invitae), Labcorp
Classification: Uncertain significance. Last evaluated: 2025-02-10. Review status: criteria provided, single submitter. Criteria: Invitae Variant Classification Sherloc (09022015). Collection method: clinical testing. Allele origin: germline.
Comment: This sequence change replaces serine, which is neutral and polar, with arginine, which is basic and polar, at codon 13 of the LMNB1 protein (p.Ser13Arg). This variant is not present in population databases (gnomAD no frequency). This variant has not been reported in the literature in individuals affected with LMNB1-related conditions. ClinVar contains an entry for this variant (Variation ID: 2011251). Invitae Evidence Modeling of protein sequence and biophysical properties (such as structural, functional, and spatial information, amino acid conservation, physicochemical variation, residue mobility, and thermodynamic stability) indicates that this missense variant is not expected to disrupt LMNB1 protein function with a negative predictive value of 95%. In summary, the available evidence is currently insufficient to determine the role of this variant in disease. Therefore, it has been classified as a Variant of Uncertain Significance.

NM_005573.4(LMNB1):c.37A>C (p.Ser13Arg)

Gene: LMNB1 (lamin B1; plus strand). Cytogenetic location: 5q23.2.
Variant type: single nucleotide variant.
Coding change: c.37A>C on transcript NM_005573.4 (MANE Select); coding-DNA position 37, A replaced by C.
Protein change: p.Ser13Arg; replaces serine 13 with arginine.
Molecular consequence: missense variant. On other transcripts: non-coding transcript variant (1), intron variant (1).
Genome position (GRCh38, 1-based): chr5:126,777,545, A>C. VCF-style: chr5-126777545-A-C. GRCh37 (hg19) VCF-style: chr5-126113237-A-C.
Other names: c.-272+301A>C (NM_001198557.2); short protein forms S13R.
Identifiers: ClinVar variation 2011251 (VCV002011251.4), dbSNP rs1018427216, ClinGen allele CA360724157.